The following is an entry in ClinVar:

NM_001174089.2(SLC4A11):c.758C>T (p.Ala253Val)

Gene: SLC4A11 (solute carrier family 4 member 11; minus strand). Cytogenetic location: 20p13.
Variant type: single nucleotide variant.
Coding change: c.758C>T on transcript NM_001174089.2 (MANE Select); coding-DNA position 758, C replaced by T.
Protein change: p.Ala253Val; replaces alanine 253 with valine.
Molecular consequence: missense variant. On other transcripts: non-coding transcript variant (1).
Genome position (GRCh38, 1-based): chr20:3,231,520, G>A on the plus strand (C>T on the coding strand, the complement: SLC4A11 is on the minus strand). VCF-style: chr20-3231520-G-A. GRCh37 (hg19) VCF-style: chr20-3212166-G-A.
Other names: c.887C>T, p.Ala296Val (NM_001174090.2); c.758C>T, p.Ala253Val (NM_001363745.2); c.806C>T, p.Ala269Val (NM_032034.4); c.806C>T (NM_032034.3); short protein forms A269V, A253V, A296V.
Identifiers: ClinVar variation 1499910 (VCV001499910.11), dbSNP rs1298347142, ClinGen allele CA408091398.

ClinVar aggregate classification (germline): Likely pathogenic. Review status: criteria provided, multiple submitters, no conflicts (2 of 4 stars). 3 submissions from 3 submitters: Likely pathogenic (3). Last evaluated 2025-11-24.

Conditions:
Corneal dystrophy-perceptive deafness syndrome (CDPD). Also called: CORNEAL DYSTROPHY AND SENSORINEURAL DEAFNESS; HARBOYAN SYNDROME. Identifiers: Orphanet 1490, MedGen C1857572, MONDO:0009015, OMIM 217400.

Allele frequency attached by ClinVar (database versions not stated): gnomAD exomes below 0.00001; gnomAD 0.00001.
gnomAD v4.1: 7 of 1,613,826 alleles (0.00043%); highest among the groups gnomAD compares: Middle Eastern, 0.016%; no homozygotes.

Submissions (3):

Natera, Inc.
Classification: Likely pathogenic for Corneal dystrophy-perceptive deafness syndrome. Last evaluated: 2025-11-24. Review status: criteria provided, single submitter. Criteria: Natera Variant Classification Schema (03/2026). Collection method: clinical testing. Allele origin: germline.
Comment: The c.806C>T variant in SLC4A11 is a missense variant predicted to cause substitution of alanine to valine at amino acid 269. This variant is rare in the general population with a frequency below the threshold expected for the associated phenotype(s). This variant has been observed in one or more individuals affected with the associated recessive disease, as either homozygous or compound heterozygous with a second variant (PMID: 18474783). This variant has been identified in one or more affected individual with a phenotype highly consistent with the associated gene (PMID: 18474783). Functional studies show that this variant may disrupt protein function (PMID: 24916015). Computational prediction algorithms indicate this variant is likely to affect gene or protein function. Given the available evidence, this variant is classified as Likely Pathogenic.

Labcorp Genetics (formerly Invitae), Labcorp
Classification: Likely pathogenic. Last evaluated: 2023-09-06. Review status: criteria provided, single submitter. Criteria: Invitae Variant Classification Sherloc (09022015). Collection method: clinical testing. Allele origin: germline.
Comment: This sequence change replaces alanine, which is neutral and non-polar, with valine, which is neutral and non-polar, at codon 269 of the SLC4A11 protein (p.Ala269Val). In summary, the currently available evidence indicates that the variant is pathogenic, but additional data are needed to prove that conclusively. Therefore, this variant has been classified as Likely Pathogenic. Experimental studies are conflicting or provide insufficient evidence to determine the effect of this variant on SLC4A11 function (PMID: 24916015, 29327391). Advanced modeling of protein sequence and biophysical properties (such as structural, functional, and spatial information, amino acid conservation, physicochemical variation, residue mobility, and thermodynamic stability) has been performed at Invitae for this missense variant, however the output from this modeling did not meet the statistical confidence thresholds required to predict the impact of this variant on SLC4A11 protein function. ClinVar contains an entry for this variant (Variation ID: 1499910). This missense change has been observed in individuals with corneal hereditary endothelial dystrophy (PMID: 18474783). It has also been observed to segregate with disease in related individuals. The frequency data for this variant in the population databases is considered unreliable, as metrics indicate poor data quality at this position in the gnomAD database.

Women's Health and Genetics/Laboratory Corporation of America, LabCorp
Classification: Likely pathogenic for Corneal dystrophy-perceptive deafness syndrome. Last evaluated: 2023-01-06. Review status: criteria provided, single submitter. Criteria: LabCorp Variant Classification Summary - May 2015. Collection method: clinical testing. Allele origin: germline.
Comment: Variant summary: SLC4A11 c.806C>T (p.Ala269Val) results in a non-conservative amino acid change in the encoded protein sequence. Five of five in-silico tools predict a damaging effect of the variant on protein function. The variant was absent in 251360 control chromosomes. c.806C>T has been reported in the literature as a homozygous genotype in at-least 4 individuals from two consanguineous families affected with features of congenital hereditary endothelial dystrophy (CHED) (Hemadevi_2008). These data indicate that the variant is very likely to be associated with disease although it is not specified whether these affected individuals had deafness in addition to the reported visual findings. To our knowledge, no conclusive experimental evidence demonstrating an impact on protein function has been reported. One clinical diagnostic laboratory has submitted clinical-significance assessments for this variant to ClinVar after 2014 without evidence for independent evaluation and classified the variant as likely pathogenic. Based on the evidence outlined above, the variant was classified as likely pathogenic.

Literature cited by the submitters: PubMed 18474783 (cited by 3 submitters); PubMed 24916015 (cited by 3 submitters); PubMed 29327391 (cited by Labcorp Genetics (formerly Invitae), Labcorp and Women's Health and Genetics/Laboratory Corporation of America, LabCorp).